The following is an entry in ClinVar:

NM_002474.3(MYH11):c.53A>G (p.Lys18Arg)

Gene: MYH11 (myosin heavy chain 11; minus strand). Cytogenetic location: 16p13.11.
Variant type: single nucleotide variant.
Coding change: c.53A>G on transcript NM_002474.3 (MANE Select); coding-DNA position 53, A replaced by G.
Protein change: p.Lys18Arg; replaces lysine 18 with arginine.
Molecular consequence: missense variant.
Genome position (GRCh38, 1-based): chr16:15,838,200, T>C on the plus strand (A>G on the coding strand, the complement: MYH11 is on the minus strand). VCF-style: chr16-15838200-T-C. GRCh37 (hg19) VCF-style: chr16-15932057-T-C.
Other names: c.53A>G, p.Lys18Arg (NM_001040113.2, NM_001040114.2, NM_022844.3); short protein forms K18R.
Identifiers: ClinVar variation 405466 (VCV000405466.17), dbSNP rs756777282, ClinGen allele CA7923128.
Genomic context (GRCh38, chr16:15,838,200, plus strand): 5'-ACCCAGACGAGTCTCTTGGCGGCCCAGTCAGCCTGGGCCACTGGGCTGTTGATGAAGTTT[T>C]TGTCCACAAAGAGGAACTTCTCATCGTCACTGAGTTGGCCCTTCTGCGCCATGGTGCCTT-3'
Protein context (NP_002465.1, residues 8-28): SDDEKFLFVD[Lys18Arg]NFINSPVAQA

ClinVar aggregate classification (germline): Uncertain significance. Review status: criteria provided, multiple submitters, no conflicts (2 of 4 stars). 5 submissions from 5 submitters: Uncertain significance (5). Last evaluated 2025-03-12.

Conditions:
Familial thoracic aortic aneurysm and aortic dissection (TAAD). Also called: Thoracic aortic aneurysms and dissections. Identifiers: Orphanet 91387, MedGen C4707243, MONDO:0019625.
Aortic aneurysm, familial thoracic 4 (AAT4). Also called: AORTIC ANEURYSM/AORTIC DISSECTION AND PATENT DUCTUS ARTERIOSUS. Identifiers: MedGen C1851504, MONDO:0007568, OMIM 132900.

Allele frequency attached by ClinVar (database versions not stated): gnomAD exomes 0.00001 and 0.00003; TOPMed 0.00001; ExAC 0.00002.
gnomAD v4.1: 11 of 1,614,098 alleles (0.00068%); highest among the groups gnomAD compares: Admixed American, 0.018%; no homozygotes.

Submissions (5):

Labcorp Genetics (formerly Invitae), Labcorp
Classification: Uncertain significance for Aortic aneurysm, familial thoracic 4. Last evaluated: 2025-03-12. Review status: criteria provided, single submitter. Criteria: Invitae Variant Classification Sherloc (09022015). Collection method: clinical testing. Allele origin: germline.
Comment: This sequence change replaces lysine, which is basic and polar, with arginine, which is basic and polar, at codon 18 of the MYH11 protein (p.Lys18Arg). This variant is present in population databases (rs756777282, gnomAD 0.02%). This variant has not been reported in the literature in individuals affected with MYH11-related conditions. ClinVar contains an entry for this variant (Variation ID: 405466). Invitae Evidence Modeling of protein sequence and biophysical properties (such as structural, functional, and spatial information, amino acid conservation, physicochemical variation, residue mobility, and thermodynamic stability) indicates that this missense variant is not expected to disrupt MYH11 protein function with a negative predictive value of 95%. In summary, the available evidence is currently insufficient to determine the role of this variant in disease. Therefore, it has been classified as a Variant of Uncertain Significance.

Ambry Genetics
Classification: Uncertain significance for Familial thoracic aortic aneurysm and aortic dissection. Last evaluated: 2025-01-26. Review status: criteria provided, single submitter. Criteria: Ambry Variant Classification Scheme 2023. Collection method: clinical testing. Allele origin: germline.

Color Diagnostics, LLC DBA Color Health
Classification: Uncertain significance for Familial thoracic aortic aneurysm and aortic dissection. Last evaluated: 2024-03-06. Review status: criteria provided, single submitter. Criteria: ACMG Guidelines, 2015. Collection method: clinical testing. Allele origin: germline.
Comment: This missense variant replaces lysine with arginine at codon 18 of the MYH11 protein. Computational prediction suggests that this variant may not impact protein structure and function (internally defined REVEL score threshold <= 0.5, PMID: 27666373). To our knowledge, functional studies have not been reported for this variant. This variant has not been reported in individuals affected with MYH11-related disorders in the literature. This variant has been identified in 7/249708 chromosomes in the general population by the Genome Aggregation Database (gnomAD). The available evidence is insufficient to determine the role of this variant in disease conclusively. Therefore, this variant is classified as a Variant of Uncertain Significance.

All of Us Research Program, National Institutes of Health
Classification: Uncertain significance for Familial thoracic aortic aneurysm and aortic dissection. Last evaluated: 2024-01-11. Review status: criteria provided, single submitter. Criteria: ACMG Guidelines, 2015. Collection method: clinical testing. Allele origin: germline. Inheritance: Autosomal dominant inheritance. Observed: 5 variant alleles, 5 heterozygotes.
Comment: This missense variant replaces lysine with arginine at codon 18 of the MYH11 protein. Computational prediction tool suggests that this variant may not impact protein structure and function (internally defined REVEL score threshold <=0.5, PMID: 27666373). Splice site prediction tools suggest that this variant may not impact RNA splicing. To our knowledge, functional studies have not been performed for this variant. This variant has not been reported in individuals affected with cardiovascular disorders in the literature. This variant has been identified in 7/249708 chromosomes in the general population by the Genome Aggregation Database (gnomAD). The available evidence is insufficient to determine the role of this variant in disease conclusively. Therefore, this variant is classified as a Variant of Uncertain Significance.

This study involves interpretation of variants in research participants for the purpose of population health screening. Participant phenotype was not available at the time of variant classification. Additional details can be found in publication PMID: 35346344, PMCID: PMC8962531

GeneDx
Classification: Uncertain significance. Last evaluated: 2019-06-11. Review status: criteria provided, single submitter. Criteria: GeneDx Variant Classification Process June 2021. Collection method: clinical testing. Allele origin: germline. Affected: yes.
Comment: Has not been previously published as pathogenic or benign to our knowledge; Reported in ClinVar as a variant of uncertain significance (ClinVar Variant ID# 405466; Landrum et al., 2016); In silico analysis, which includes protein predictors and evolutionary conservation, supports that this variant does not alter protein structure/function